The following is an entry in ClinVar:

NC_000015.9:g.(?_48703187)_(48713903_?)del

Gene: FBN1 (fibrillin 1; minus strand). Cytogenetic location: 15q21.1.
Variant type: Deletion.
Identifiers: ClinVar variation 2422450 (VCV002422450.4).

ClinVar aggregate classification (germline): Pathogenic (1 of 4 stars; one submission).

Conditions:
Marfan syndrome (MFS). Also called: MARFAN SYNDROME, TYPE I; FBN1-Related Marfan Syndrome; Marfan syndrome type 1; Marfan's syndrome; Marfan syndrome, classic. Identifiers: Orphanet 284963, Orphanet 558, MedGen C0024796, MONDO:0007947, OMIM 154700.
Familial thoracic aortic aneurysm and aortic dissection (TAAD). Also called: Thoracic aortic aneurysms and dissections. Identifiers: Orphanet 91387, MedGen C4707243, MONDO:0019625.

Submission:

Labcorp Genetics (formerly Invitae), Labcorp
Classification: Pathogenic for Marfan syndrome; Familial thoracic aortic aneurysm and aortic dissection. Last evaluated: 2022-09-02. Review status: criteria provided, single submitter. Criteria: Invitae Variant Classification Sherloc (09022015). Collection method: clinical testing. Allele origin: germline.
Comment: For these reasons, this variant has been classified as Pathogenic. This variant disrupts a region of the FBN1 protein in which other variant(s) (p.Gly2859Valfs*4) have been determined to be pathogenic (Invitae). This suggests that this is a clinically significant region of the protein, and that variants that disrupt it are likely to be disease-causing. This variant has not been reported in the literature in individuals affected with FBN1-related conditions. This variant is a gross deletion of the genomic region encompassing exon(s) 62-66 of the FBN1 gene, which includes the termination codon. This deletion extends beyond the assayed region for this gene and therefore may encompass additional genes. While this deletion is not anticipated to lead to nonsense mediated decay, it is expected to alter mRNA translation or result in a truncated protein product.